The following is an entry in ClinVar:

NM_000038.6(APC):c.1982G>A (p.Cys661Tyr)

Gene: APC (APC regulator of Wnt signaling pathway; plus strand). Cytogenetic location: 5q22.2.
Variant type: single nucleotide variant.
Coding change: c.1982G>A on transcript NM_000038.6 (MANE Select); coding-DNA position 1982, G replaced by A.
Protein change: p.Cys661Tyr; replaces cysteine 661 with tyrosine.
Molecular consequence: missense variant.
Genome position (GRCh38, 1-based): chr5:112,837,576, G>A. VCF-style: chr5-112837576-G-A. GRCh37 (hg19) VCF-style: chr5-112173273-G-A.
Other names: c.2012G>A, p.Cys671Tyr (NM_001354897.2); c.1907G>A, p.Cys636Tyr (NM_001354898.2); c.1898G>A, p.Cys633Tyr (NM_001354899.2); c.1859G>A, p.Cys620Tyr (NM_001354900.2); c.1805G>A, p.Cys602Tyr (NM_001354901.2); c.1709G>A, p.Cys570Tyr (NM_001354902.2); c.1679G>A, p.Cys560Tyr (NM_001354903.2); c.1604G>A, p.Cys535Tyr (NM_001354904.2); and 5 more; short protein forms C643Y, C661Y, C378Y, C535Y, C560Y, C602Y, C570Y, C633Y.
Identifiers: ClinVar variation 186530 (VCV000186530.16), dbSNP rs786203018, ClinGen allele CA007078.

ClinVar aggregate classification (germline): Uncertain significance. Review status: criteria provided, multiple submitters, no conflicts (2 of 4 stars). 2 submissions from 2 submitters: Uncertain significance (2). Last evaluated 2023-10-06.

Conditions:
Hereditary cancer-predisposing syndrome. Also called: Neoplastic Syndromes, Hereditary; Tumor predisposition; Hereditary Cancer Syndrome; Hereditary neoplastic syndrome. Identifiers: Orphanet 140162, MedGen C0027672, MeSH D009386, MONDO:0015356.
Familial adenomatous polyposis 1 (FAP1). Also called: FAMILIAL ADENOMATOUS POLYPOSIS 1, ATTENUATED; POLYPOSIS, ADENOMATOUS INTESTINAL. Identifiers: MedGen C2713442, MONDO:0021056, OMIM 175100. Disease mechanism: loss of function.

Submissions (2):

Labcorp Genetics (formerly Invitae), Labcorp
Classification: Uncertain significance for Familial adenomatous polyposis 1. Last evaluated: 2023-10-06. Review status: criteria provided, single submitter. Criteria: Invitae Variant Classification Sherloc (09022015). Collection method: clinical testing. Allele origin: germline.
Comment: This sequence change replaces cysteine, which is neutral and slightly polar, with tyrosine, which is neutral and polar, at codon 661 of the APC protein (p.Cys661Tyr). This variant is not present in population databases (gnomAD no frequency). This variant has not been reported in the literature in individuals affected with APC-related conditions. ClinVar contains an entry for this variant (Variation ID: 186530). Advanced modeling of protein sequence and biophysical properties (such as structural, functional, and spatial information, amino acid conservation, physicochemical variation, residue mobility, and thermodynamic stability) has been performed at Invitae for this missense variant, however the output from this modeling did not meet the statistical confidence thresholds required to predict the impact of this variant on APC protein function. In summary, the available evidence is currently insufficient to determine the role of this variant in disease. Therefore, it has been classified as a Variant of Uncertain Significance.

Ambry Genetics
Classification: Uncertain significance for Hereditary cancer-predisposing syndrome. Last evaluated: 2022-04-12. Review status: criteria provided, single submitter. Criteria: Ambry Variant Classification Scheme 2023. Collection method: clinical testing. Allele origin: germline.
Comment: The p.C661Y variant (also known as c.1982G>A), located in coding exon 15 of the APC gene, results from a G to A substitution at nucleotide position 1982. The cysteine at codon 661 is replaced by tyrosine, an amino acid with highly dissimilar properties. This amino acid position is highly conserved in available vertebrate species. In addition, in silico predictors for this gene do not accurately predict pathogenicity. Since supporting evidence is limited at this time, the clinical significance of this alteration remains unclear.